The following is an entry in ClinVar:

ClinVar aggregate classification (germline): Likely pathogenic. Review status: criteria provided, multiple submitters, no conflicts (2 of 4 stars). 2 submissions from 2 submitters: Likely pathogenic (2). Last evaluated 2026-03-01.

Conditions:
Distal arthrogryposis type 5D (DA5D). Identifiers: Orphanet 329457, MedGen C3554415, MONDO:0014028, OMIM 615065.

Submissions (2):

Center for Pediatric Genomic Medicine, Children's Mercy Hospital and Clinics
Classification: Likely pathogenic for Distal arthrogryposis type 5D. Last evaluated: 2026-03-01. Review status: criteria provided, single submitter. Criteria: ACMG Guidelines, 2015. Collection method: clinical testing. Allele origin: germline. Affected: yes.
Comment: PVS1, PM2, PM3_supp

Kasturba Medical College, Manipal, Kasturba Medical College, Manipal, Manipal Academy of Higher Education, Manipal, India
Classification: Likely pathogenic for Distal arthrogryposis type 5D. Review status: criteria provided, single submitter. Criteria: ACMG Guidelines, 2015. Collection method: research. Allele origin: biparental. Inheritance: Autosomal recessive inheritance. Affected: yes. Observed: 1 homozygote.
Comment: This variant is not observed in the gnomAD database (v4.1.0) and our in-house data of 3326 exomes.

NM_004826.4(ECEL1):c.402G>A (p.Trp134Ter)

Gene: ECEL1 (endothelin converting enzyme like 1; minus strand). Cytogenetic location: 2q37.1.
Variant type: single nucleotide variant.
Coding change: c.402G>A on transcript NM_004826.4 (MANE Select); coding-DNA position 402, G replaced by A.
Protein change: p.Trp134Ter; replaces tryptophan 134 with a stop codon.
Molecular consequence: nonsense.
Genome position (GRCh38, 1-based): chr2:232,486,252, C>T on the plus strand (G>A on the coding strand, the complement: ECEL1 is on the minus strand). VCF-style: chr2-232486252-C-T. GRCh37 (hg19) VCF-style: chr2-233350962-C-T.
Other names: c.402G>A, p.Trp134Ter (NM_001290787.2); short protein forms W134*.
Identifiers: ClinVar variation 3393325 (VCV003393325.3).